The following is an entry in ClinVar:

NM_024818.6(UBA5):c.684G>A (p.Ala228=)

Genes: NPHP3-ACAD11 (NPHP3-ACAD11 readthrough (NMD candidate); minus strand), UBA5 (ubiquitin like modifier activating enzyme 5; plus strand). Cytogenetic location: 3q22.1.
Variant type: single nucleotide variant.
Coding change: c.684G>A on transcript NM_024818.6 (MANE Select); coding-DNA position 684, G replaced by A.
Protein change: p.Ala228=; no amino-acid change (alanine 228 retained).
Molecular consequence: synonymous variant.
Genome position (GRCh38, 1-based): chr3:132,671,881, G>A. VCF-style: chr3-132671881-G-A. GRCh37 (hg19) VCF-style: chr3-132390725-G-A.
Other names: NC_000003.11:g.132390725G>A; c.516G>A, p.Ala172= (NM_001320210.2, NM_198329.4); c.414G>A, p.Ala138= (NM_001321238.2); c.348G>A, p.Ala116= (NM_001321239.1).
Identifiers: ClinVar variation 489201 (VCV000489201.8), dbSNP rs1313071575, ClinGen allele CA435799477.

ClinVar aggregate classification (germline): Likely pathogenic. Review status: criteria provided, multiple submitters, no conflicts (2 of 4 stars). 5 submissions from 5 submitters: Likely pathogenic (5). Last evaluated 2025-10-14.

Conditions:
UBA5-related disorder. Also called: UBA5-related disorders; UBA5-related condition.
Developmental and epileptic encephalopathy, 44 (DEE44). Also called: Epileptic encephalopathy, early infantile, 44. Identifiers: MedGen C4310700, MONDO:0014933, OMIM 617132.

Allele frequency attached by ClinVar (database versions not stated): gnomAD exomes below 0.00001; gnomAD 0.00001.
gnomAD v4.1: 4 of 1,611,508 alleles (0.00025%); highest among the groups gnomAD compares: Non-Finnish European, 0.00034%; no homozygotes.

Submissions (6):

GeneDx
Classification: Likely pathogenic. Last evaluated: 2025-10-14. Review status: criteria provided, single submitter. Criteria: GeneDx Variant Classification Process June 2021. Collection method: clinical testing. Allele origin: germline. Affected: yes.
Comment: Not observed at significant frequency in large population cohorts (gnomAD); In silico analysis supports a deleterious effect on splicing; This variant is associated with the following publications: (PMID: 29868776, 30078785, 28965491)

Labcorp Genetics (formerly Invitae), Labcorp
Classification: Likely pathogenic. Last evaluated: 2025-05-01. Review status: criteria provided, single submitter. Criteria: Invitae Variant Classification Sherloc (09022015). Collection method: clinical testing. Allele origin: germline.
Comment: This sequence change affects codon 228 of the UBA5 mRNA. It is a 'silent' change, meaning that it does not change the encoded amino acid sequence of the UBA5 protein. This variant also falls at the last nucleotide of exon 7, which is part of the consensus splice site for this exon. This variant is present in population databases (no rsID available, gnomAD 0.0009%). This variant has been observed in individual(s) with early-onset epileptic encephalopathy (PMID: 28965491). In at least one individual the data is consistent with being in trans (on the opposite chromosome) from a pathogenic variant. It has also been observed to segregate with disease in related individuals. ClinVar contains an entry for this variant (Variation ID: 489201). Variants that disrupt the consensus splice site are a relatively common cause of aberrant splicing (PMID: 17576681, 9536098). Algorithms developed to predict the effect of sequence changes on RNA splicing suggest that this variant may disrupt the consensus splice site. In summary, the currently available evidence indicates that the variant is pathogenic, but additional data are needed to prove that conclusively. Therefore, this variant has been classified as Likely Pathogenic.

PreventionGenetics, part of Exact Sciences
Classification: Likely pathogenic for UBA5-related condition. Last evaluated: 2024-11-25. Review status: criteria provided, single submitter. Criteria: ACMG Guidelines, 2015. Collection method: clinical testing. Allele origin: germline.
Comment: The UBA5 c.684G>A variant is not predicted to result in an amino acid change (p.=). This variant affects the last nucleotide of exon 7 and is predicted to significantly reduce the strength of the canonical splice donor site (SpliceAI, Jaganathan et al. 2019. PubMed ID: 30661751). This variant has been reported in the compound heterozygous state, segregating with autosomal recessive early infantile epileptic encephalopathy in two sisters from a single family (Arnadottir et al. 2017. PubMed ID: 28965491). This variant is reported in 0.00088% of alleles in individuals of European (Non-Finnish) descent in gnomAD. Taken together, this variant is interpreted as likely pathogenic.

Institute of Human Genetics, University of Leipzig Medical Center
Classification: Likely pathogenic for Developmental and epileptic encephalopathy, 44. Last evaluated: 2019-01-01. Review status: criteria provided, single submitter. Criteria: ACMG Guidelines, 2015. Collection method: clinical testing. Allele origin: unknown. Affected: yes.
Comment: This variant was identified as compound heterozygous.

Blueprint Genetics
Classification: Likely pathogenic for UBA5-related disorders. Last evaluated: 2018-05-30. Review status: criteria provided, single submitter. Criteria: ACMG Guidelines, 2015. Collection method: clinical testing. Allele origin: germline. Affected: yes. Observed: 1 variant allele.

Dr. Peter K. Rogan Lab, Western University
No classification provided (evidence only). Condition: Squamous cell carcinoma of the head and neck. Review status: no classification provided. Collection method: in vitro. Allele origin: not applicable. Functional consequence: skipped exon. Not counted in ClinVar's aggregate classification.

Literature cited by the submitters: PubMed 28965491 (cited by Labcorp Genetics (formerly Invitae), Labcorp); PubMed 17576681 (cited by Labcorp Genetics (formerly Invitae), Labcorp); PubMed 9536098 (cited by Labcorp Genetics (formerly Invitae), Labcorp).